The following is an entry in ClinVar:

ClinVar aggregate classification (germline): Conflicting classifications of pathogenicity. Review status: criteria provided, conflicting classifications (1 of 4 stars). 2 submissions from 2 submitters: Pathogenic (1); Uncertain significance (1). Last evaluated 2024-10-28.

Conditions:
Early-infantile DEE. Also called: Early infantile epileptic encephalopathy; Early infantile epileptic encephalopathy with suppression bursts; Ohtahara syndrome. Identifiers: Orphanet 1934, MedGen C0393706, MONDO:0800491.

Submissions (2):

Labcorp Genetics (formerly Invitae), Labcorp
Classification: Pathogenic for Early-infantile DEE. Last evaluated: 2024-10-28. Review status: criteria provided, single submitter. Criteria: Invitae Variant Classification Sherloc (09022015). Collection method: clinical testing. Allele origin: germline.
Comment: This sequence change replaces glycine, which is neutral and non-polar, with arginine, which is basic and polar, at codon 1688 of the SCN1A protein (p.Gly1688Arg). This variant is not present in population databases (gnomAD no frequency). This missense change has been observed in individual(s) with SCN1A-related conditions (internal data). In at least one individual the variant was observed to be de novo. ClinVar contains an entry for this variant (Variation ID: 1488372). Invitae Evidence Modeling of protein sequence and biophysical properties (such as structural, functional, and spatial information, amino acid conservation, physicochemical variation, residue mobility, and thermodynamic stability) indicates that this missense variant is expected to disrupt SCN1A protein function with a positive predictive value of 95%. For these reasons, this variant has been classified as Pathogenic.

Revvity Omics, Revvity
Classification: Uncertain significance. Last evaluated: 2021-10-28. Review status: criteria provided, single submitter. Criteria: ACMG Guidelines, 2015. Collection method: clinical testing. Allele origin: germline.

NM_001165963.4(SCN1A):c.5062G>A (p.Gly1688Arg)

Genes: SCN1A (sodium voltage-gated channel alpha subunit 1; minus strand), LOC102724058 (uncharacterized LOC102724058; plus strand). Cytogenetic location: 2q24.3.
Variant type: single nucleotide variant.
Coding change: c.5062G>A on transcript NM_001165963.4 (MANE Select); coding-DNA position 5062, G replaced by A.
Protein change: p.Gly1688Arg; replaces glycine 1688 with arginine.
Molecular consequence: missense variant. On other transcripts: non-coding transcript variant (1).
Genome position (GRCh38, 1-based): chr2:165,992,213, C>T on the plus strand (G>A on the coding strand, the complement: SCN1A is on the minus strand). VCF-style: chr2-165992213-C-T. GRCh37 (hg19) VCF-style: chr2-166848723-C-T.
Other names: c.4978G>A, p.Gly1660Arg (NM_001165964.3, NM_001353957.2, NM_001353958.2); c.5062G>A, p.Gly1688Arg (NM_001202435.3, NM_001353948.2); c.5029G>A, p.Gly1677Arg (NM_001353949.2, NM_001353950.2, NM_001353951.2 and 2 more transcripts); c.5026G>A, p.Gly1676Arg (NM_001353954.2, NM_001353955.2); c.4975G>A, p.Gly1659Arg (NM_001353960.2); c.2620G>A, p.Gly874Arg (NM_001353961.2); c.5062G>A (NM_001165963.3); short protein forms G1688R, G874R, G1659R, G1677R, G1660R, G1676R.
Identifiers: ClinVar variation 1488372 (VCV001488372.10), dbSNP rs2105432939, ClinGen allele CA349069433.
Genomic context (GRCh38, chr2:165,992,213, plus strand): 5'-CAAAGTTGAACATGTCATCGATCCCAACTTCCCTCTTAACATAGGCAAAGTTGGACATCC[C>T]AAAGATGGCGTAGATGAACATGACTAGGAAGAGTAGGAGGCCGATGTTAAACAACGCAGG-3'
Protein context (NP_001159435.1, residues 1678-1698): FLVMFIYAIF[Gly1688Arg]MSNFAYVKRE